The following is an entry in ClinVar:

ClinVar aggregate classification (germline): Uncertain significance. Review status: criteria provided, multiple submitters, no conflicts (2 of 4 stars). 2 submissions from 2 submitters: Uncertain significance (2). Last evaluated 2025-05-25.

Conditions:
Inborn genetic diseases. Identifiers: MedGen C0950123, MeSH D030342.

Allele frequency attached by ClinVar (database versions not stated): ExAC 0.00002; gnomAD exomes 0.00002; gnomAD 0.00005; TOPMed 0.00009.
gnomAD v4.1: 47 of 1,613,658 alleles (0.0029%); highest among the groups gnomAD compares: Admixed American, 0.018%; no homozygotes.

Submissions (2):

GeneDx
Classification: Uncertain significance. Last evaluated: 2025-05-25. Review status: criteria provided, single submitter. Criteria: GeneDx Variant Classification Process June 2021. Collection method: clinical testing. Allele origin: germline. Affected: yes.
Comment: In silico analysis suggests that this missense variant does not alter protein structure/function; Has not been previously published as pathogenic or benign to our knowledge

Ambry Genetics
Classification: Uncertain significance for Inborn genetic diseases. Last evaluated: 2021-09-17. Review status: criteria provided, single submitter. Criteria: Ambry Variant Classification Scheme 2023. Collection method: clinical testing. Allele origin: germline.

NM_021870.3(FGG):c.22C>T (p.Arg8Trp)

Gene: FGG (fibrinogen gamma chain; minus strand). Cytogenetic location: 4q32.1.
Variant type: single nucleotide variant.
Coding change: c.22C>T on transcript NM_021870.3 (MANE Select); coding-DNA position 22, C replaced by T.
Protein change: p.Arg8Trp; replaces arginine 8 with tryptophan.
Molecular consequence: missense variant.
Genome position (GRCh38, 1-based): chr4:154,612,588, G>A on the plus strand (C>T on the coding strand, the complement: FGG is on the minus strand). VCF-style: chr4-154612588-G-A. GRCh37 (hg19) VCF-style: chr4-155533740-G-A.
Other names: c.22C>T, p.Arg8Trp (NM_000509.6); short protein forms R8W.
Identifiers: ClinVar variation 2358764 (VCV002358764.3), dbSNP rs758812965, ClinGen allele CA3115776.